The following is an entry in ClinVar:

ClinVar aggregate classification (germline): Conflicting classifications of pathogenicity. Review status: criteria provided, conflicting classifications (1 of 4 stars). 3 submissions from 3 submitters: Uncertain significance (2); Likely benign (1). Last evaluated 2022-09-01.

Conditions:
Congenital muscular dystrophy due to integrin alpha-7 deficiency. Also called: Congenital muscular dystrophy with integrin alpha-7 deficiency; Muscular dystrophy, congenital, due to ITGA7 deficiency; MYOPATHY, CONGENITAL, DUE TO INTEGRIN ALPHA-7 DEFICIENCY. Identifiers: Orphanet 34520, MedGen C2750786, MONDO:0013177, OMIM 613204.

Allele frequency attached by ClinVar (database versions not stated): gnomAD 0.00001; ExAC 0.00002; gnomAD exomes 0.00002; TOPMed 0.00002.
gnomAD v4.1: 27 of 1,613,892 alleles (0.0017%); highest among the groups gnomAD compares: Middle Eastern, 0.016%; no homozygotes.

Submissions (3):

CeGaT Center for Human Genetics Tuebingen
Classification: Likely benign. Last evaluated: 2022-09-01. Review status: criteria provided, single submitter. Criteria: CeGaT Center For Human Genetics Tuebingen Variant Classification Criteria Version 2. Collection method: clinical testing. Allele origin: germline. Affected: yes. Observed: 1 variant allele.
Comment: ITGA7: BP4

Labcorp Genetics (formerly Invitae), Labcorp
Classification: Uncertain significance for Congenital muscular dystrophy due to integrin alpha-7 deficiency. Last evaluated: 2022-07-19. Review status: criteria provided, single submitter. Criteria: Invitae Variant Classification Sherloc (09022015). Collection method: clinical testing. Allele origin: germline.
Comment: This sequence change replaces arginine, which is basic and polar, with tryptophan, which is neutral and slightly polar, at codon 927 of the ITGA7 protein (p.Arg927Trp). This variant is present in population databases (rs760407686, gnomAD 0.006%). This variant has not been reported in the literature in individuals affected with ITGA7-related conditions. ClinVar contains an entry for this variant (Variation ID: 1307722). Algorithms developed to predict the effect of missense changes on protein structure and function are either unavailable or do not agree on the potential impact of this missense change (SIFT: "Deleterious"; PolyPhen-2: "Possibly Damaging"; Align-GVGD: "Class C0"). Algorithms developed to predict the effect of sequence changes on RNA splicing suggest that this variant may disrupt the consensus splice site. In summary, the available evidence is currently insufficient to determine the role of this variant in disease. Therefore, it has been classified as a Variant of Uncertain Significance.

GeneDx
Classification: Uncertain significance. Last evaluated: 2019-08-16. Review status: criteria provided, single submitter. Criteria: GeneDx Variant Classification Process June 2021. Collection method: clinical testing. Allele origin: germline. Affected: yes.
Comment: Not observed at a significant frequency in large population cohorts (Lek et al., 2016); In silico analysis, which includes protein predictors and evolutionary conservation, supports a deleterious effect; In silico analysis, which includes splice predictors, supports a deleterious effect; Has not been previously published as pathogenic or benign to our knowledge

NM_002206.3(ITGA7):c.2779C>T (p.Arg927Trp)

Gene: ITGA7 (integrin subunit alpha 7; minus strand). Cytogenetic location: 12q13.2.
Variant type: single nucleotide variant.
Coding change: c.2779C>T on transcript NM_002206.3 (MANE Select); coding-DNA position 2779, C replaced by T.
Protein change: p.Arg927Trp; replaces arginine 927 with tryptophan.
Molecular consequence: missense variant.
Genome position (GRCh38, 1-based): chr12:55,692,909, G>A on the plus strand (C>T on the coding strand, the complement: ITGA7 is on the minus strand). VCF-style: chr12-55692909-G-A. GRCh37 (hg19) VCF-style: chr12-56086693-G-A.
Other names: c.2791C>T, p.Arg931Trp (NM_001144996.2); c.2500C>T, p.Arg834Trp (NM_001144997.2); c.2452C>T, p.Arg818Trp (NM_001367993.1); c.1435C>T, p.Arg479Trp (NM_001367994.1); c.2761C>T, p.Arg921Trp (NM_001374465.1); c.2911C>T, p.Arg971Trp (NM_001410977.1); c.2773C>T, p.Arg925Trp (NM_001414029.1); c.2704C>T, p.Arg902Trp (NM_001414030.1); and 5 more; short protein forms R479W, R818W, R834W, R921W, R927W, R931W, R971W, R887W.
Identifiers: ClinVar variation 1307722 (VCV001307722.28), dbSNP rs760407686, ClinGen allele CA6615464.
Genomic context (GRCh38, chr12:55,692,909, plus strand): 5'-TGATGTTTTTCTTCTTCTCAGCAGAGGACACTGGCCACCAGGACATGCTGGGCTCCTGCC[G>A]CTCACCAGGCTCCTGCTGCTCAGGTGGCTCCAGCTCCCGCCGCCTCCTATCCCTACTGTC-3'
Protein context (NP_002197.2, residues 917-937): EPPEQQEPGE[Arg927Trp]QEPSMSWWPV